The following is an entry in ClinVar:

ClinVar aggregate classification (germline): Uncertain significance (1 of 4 stars; one submission).

Allele frequency attached by ClinVar (database versions not stated): gnomAD exomes below 0.00001; gnomAD 0.00001; TOPMed 0.00001.

Submission:

Labcorp Genetics (formerly Invitae), Labcorp
Classification: Uncertain significance. Last evaluated: 2023-09-27. Review status: criteria provided, single submitter. Criteria: Invitae Variant Classification Sherloc (09022015). Collection method: clinical testing. Allele origin: germline.
Comment: ClinVar contains an entry for this variant (Variation ID: 2092021). This variant has not been reported in the literature in individuals affected with KLF10-related conditions. This variant is present in population databases (no rsID available, gnomAD 0.01%). This sequence change replaces phenylalanine, which is neutral and non-polar, with serine, which is neutral and polar, at codon 185 of the KLF10 protein (p.Phe185Ser). An algorithm developed to predict the effect of missense changes on protein structure and function (PolyPhen-2) suggests that this variant is likely to be tolerated. In summary, the available evidence is currently insufficient to determine the role of this variant in disease. Therefore, it has been classified as a Variant of Uncertain Significance.

NM_005655.4(KLF10):c.554T>C (p.Phe185Ser)

Gene: KLF10 (KLF transcription factor 10; minus strand). Cytogenetic location: 8q22.3.
Variant type: single nucleotide variant.
Coding change: c.554T>C on transcript NM_005655.4 (MANE Select); coding-DNA position 554, T replaced by C.
Protein change: p.Phe185Ser; replaces phenylalanine 185 with serine.
Molecular consequence: missense variant.
Genome position (GRCh38, 1-based): chr8:102,651,778, A>G on the plus strand (T>C on the coding strand, the complement: KLF10 is on the minus strand). VCF-style: chr8-102651778-A-G. GRCh37 (hg19) VCF-style: chr8-103664006-A-G.
Other names: c.521T>C, p.Phe174Ser (NM_001032282.4); short protein forms F174S, F185S.
Identifiers: ClinVar variation 2092021 (VCV002092021.4), dbSNP rs1438256445, ClinGen allele CA371628037.
Genomic context (GRCh38, chr8:102,651,778, plus strand): 5'-ACAGCGGCACATGGTATGTTCTTTCTTGCAGCCTCAACATTTAGGTGGGTTCTTCTTCTA[A>G]AAGAATTGTTCTGATAGTTGAGGATGCTGGCTGCTTTCATTGGGCAGGTCTGGTGGTTAC-3'
Protein context (NP_005646.1, residues 175-195): ASILNYQNNS[Phe185Ser]RRRTHLNVEA